The following is an entry in ClinVar:

ClinVar aggregate classification (germline): Uncertain significance (1 of 4 stars; one submission).

Conditions:
Hereditary cancer-predisposing syndrome. Also called: Hereditary Cancer Syndrome; Hereditary neoplastic syndrome; Neoplastic Syndromes, Hereditary; Tumor predisposition. Identifiers: Orphanet 140162, MedGen C0027672, MeSH D009386, MONDO:0015356.

Submission:

Ambry Genetics
Classification: Uncertain significance for Hereditary cancer-predisposing syndrome. Last evaluated: 2022-05-21. Review status: criteria provided, single submitter. Criteria: Ambry Variant Classification Scheme 2023. Collection method: clinical testing. Allele origin: germline.
Comment: The p.G47R variant (also known as c.139G>C), located in coding exon 2 of the RET gene, results from a G to C substitution at nucleotide position 139. The glycine at codon 47 is replaced by arginine, an amino acid with dissimilar properties. This amino acid position is conserved. In addition, the in silico prediction for this alteration is inconclusive. Since supporting evidence is limited at this time, the clinical significance of this alteration remains unclear.

NM_020975.6(RET):c.139G>C (p.Gly47Arg)

Gene: RET (ret proto-oncogene; plus strand). Cytogenetic location: 10q11.21.
Variant type: single nucleotide variant.
Coding change: c.139G>C on transcript NM_020975.6 (MANE Select); coding-DNA position 139, G replaced by C.
Protein change: p.Gly47Arg; replaces glycine 47 with arginine.
Molecular consequence: missense variant.
Genome position (GRCh38, 1-based): chr10:43,100,524, G>C. VCF-style: chr10-43100524-G-C. GRCh37 (hg19) VCF-style: chr10-43595972-G-C.
Other names: c.139G>C, p.Gly47Arg (NM_000323.2, NM_001406743.1, NM_001406744.1 and 34 more transcripts); short protein forms G47R.
Identifiers: ClinVar variation 1771741 (VCV001771741.2), dbSNP rs529018971, ClinGen allele CA376770178.